The following is an entry in ClinVar:

NM_000053.4(ATP7B):c.1495T>A (p.Cys499Ser)

Gene: ATP7B (ATPase copper transporting beta; minus strand). Cytogenetic location: 13q14.3.
Variant type: single nucleotide variant.
Coding change: c.1495T>A on transcript NM_000053.4 (MANE Select); coding-DNA position 1495, T replaced by A.
Protein change: p.Cys499Ser; replaces cysteine 499 with serine.
Molecular consequence: missense variant. On other transcripts: intron variant (1).
Genome position (GRCh38, 1-based): chr13:51,970,540, A>T on the plus strand (T>A on the coding strand, the complement: ATP7B is on the minus strand). VCF-style: chr13-51970540-A-T. GRCh37 (hg19) VCF-style: chr13-52544676-A-T.
Other names: c.1399T>A, p.Cys467Ser (NM_001406518.1, NM_001406543.1, NM_001406544.1 and 3 more transcripts); c.1495T>A, p.Cys499Ser (NM_001406519.1, NM_001406520.1, NM_001406521.1 and 28 more transcripts); c.1066T>A, p.Cys356Ser (NM_001406539.1); c.1285+3395T>A (NM_001406548.1); c.1162T>A, p.Cys388Ser (NM_001243182.2); short protein forms C356S, C499S, C388S, C467S.
Identifiers: ClinVar variation 3711722 (VCV003711722.2).
Genomic context (GRCh38, chr13:51,970,540, plus strand): 5'-TTCATCTCTTACCAGCTTCTTTCTGCAGATTCCTTTCTATGTTAGACACACAGGATGCAC[A>T]GGTCATGCCTTTGATCTGTAAGAAGCACTTCTGCGGTGCCACTGCTCTGGTTGATTGTGG-3'
Protein context (NP_000044.2, residues 489-509): KCFLQIKGMT[Cys499Ser]ASCVSNIERN

ClinVar aggregate classification (germline): Uncertain significance (1 of 4 stars; one submission).

Conditions:
Wilson disease (WND). Also called: Wilson's disease. Identifiers: Orphanet 905, MedGen C0019202, MONDO:0010200, OMIM 277900. Disease mechanism: loss of function.

gnomAD v4.1: 7 of 1,614,190 alleles (0.00043%); highest among the groups gnomAD compares: Non-Finnish European, 0.00059%; no homozygotes.

Submission:

Labcorp Genetics (formerly Invitae), Labcorp
Classification: Uncertain significance for Wilson disease. Last evaluated: 2024-06-21. Review status: criteria provided, single submitter. Criteria: Invitae Variant Classification Sherloc (09022015). Collection method: clinical testing. Allele origin: germline.
Comment: This sequence change replaces cysteine, which is neutral and slightly polar, with serine, which is neutral and polar, at codon 499 of the ATP7B protein (p.Cys499Ser). This variant is present in population databases (rs749968753, gnomAD 0.0009%). This variant has not been reported in the literature in individuals affected with ATP7B-related conditions. Advanced modeling of protein sequence and biophysical properties (such as structural, functional, and spatial information, amino acid conservation, physicochemical variation, residue mobility, and thermodynamic stability) performed at Invitae indicates that this missense variant is not expected to disrupt ATP7B protein function with a negative predictive value of 80%. In summary, the available evidence is currently insufficient to determine the role of this variant in disease. Therefore, it has been classified as a Variant of Uncertain Significance.